The following is an entry in ClinVar:

ClinVar aggregate classification (germline): Uncertain significance. Review status: criteria provided, multiple submitters, no conflicts (2 of 4 stars). 2 submissions from 2 submitters: Uncertain significance (2). Last evaluated 2026-07-07.

Conditions:
Hereditary cancer-predisposing syndrome. Also called: Tumor predisposition; Hereditary Cancer Syndrome; Hereditary neoplastic syndrome; Neoplastic Syndromes, Hereditary. Identifiers: Orphanet 140162, MedGen C0027672, MeSH D009386, MONDO:0015356.
Hereditary diffuse gastric adenocarcinoma (HDGC). Also called: DIFFUSE GASTRIC AND LOBULAR BREAST CANCER SYNDROME. Identifiers: Orphanet 26106, MedGen C1708349, MONDO:0007648, OMIM 137215.

gnomAD v4.1: 4 of 1,613,980 alleles (0.00025%); highest among the groups gnomAD compares: Non-Finnish European, 0.00034%; no homozygotes.

Submissions (2):

Ambry Genetics
Classification: Uncertain significance for Hereditary cancer-predisposing syndrome. Last evaluated: 2026-07-07. Review status: criteria provided, single submitter. Criteria: Ambry Variant Classification Scheme 2023. Collection method: clinical testing. Allele origin: germline.
Comment: The p.M875T variant (also known as c.2624T>C), located in coding exon 16 of the CDH1 gene, results from a T to C substitution at nucleotide position 2624. The methionine at codon 875 is replaced by threonine, an amino acid with similar properties. This amino acid position is conserved. In addition, this alteration is predicted to be deleterious by in silico analysis. Based on the available evidence, the clinical significance of this variant remains unclear.

Labcorp Genetics (formerly Invitae), Labcorp
Classification: Uncertain significance for Hereditary diffuse gastric adenocarcinoma. Last evaluated: 2022-05-09. Review status: criteria provided, single submitter. Criteria: Invitae Variant Classification Sherloc (09022015). Collection method: clinical testing. Allele origin: germline.
Comment: This sequence change replaces methionine, which is neutral and non-polar, with threonine, which is neutral and polar, at codon 875 of the CDH1 protein (p.Met875Thr). This variant is not present in population databases (gnomAD no frequency). This variant has not been reported in the literature in individuals affected with CDH1-related conditions. ClinVar contains an entry for this variant (Variation ID: 1035849). Algorithms developed to predict the effect of missense changes on protein structure and function are either unavailable or do not agree on the potential impact of this missense change (SIFT: "Deleterious"; PolyPhen-2: "Probably Damaging"; Align-GVGD: "Class C0"). In summary, the available evidence is currently insufficient to determine the role of this variant in disease. Therefore, it has been classified as a Variant of Uncertain Significance.

NM_004360.5(CDH1):c.2624T>C (p.Met875Thr)

Gene: CDH1 (cadherin 1; plus strand). Cytogenetic location: 16q22.1.
Variant type: single nucleotide variant.
Coding change: c.2624T>C on transcript NM_004360.5 (MANE Select); coding-DNA position 2624, T replaced by C.
Protein change: p.Met875Thr; replaces methionine 875 with threonine.
Molecular consequence: missense variant.
Genome position (GRCh38, 1-based): chr16:68,833,474, T>C. VCF-style: chr16-68833474-T-C. GRCh37 (hg19) VCF-style: chr16-68867377-T-C.
Other names: c.2624T>C (NM_004360.3); c.2441T>C, p.Met814Thr (NM_001317184.2); c.1076T>C, p.Met359Thr (NM_001317185.2); c.659T>C, p.Met220Thr (NM_001317186.2); short protein forms M220T, M875T, M359T, M814T.
Identifiers: ClinVar variation 1035849 (VCV001035849.7), dbSNP rs900118000, ClinGen allele CA396472813.